The following is an entry in ClinVar:

NM_006015.6(ARID1A):c.4564G>A (p.Ala1522Thr)

Gene: ARID1A (AT-rich interaction domain 1A; plus strand). Cytogenetic location: 1p36.11.
Variant type: single nucleotide variant.
Coding change: c.4564G>A on transcript NM_006015.6 (MANE Select); coding-DNA position 4564, G replaced by A.
Protein change: p.Ala1522Thr; replaces alanine 1522 with threonine.
Molecular consequence: missense variant. On other transcripts: intron variant (1).
Genome position (GRCh38, 1-based): chr1:26,774,791, G>A. VCF-style: chr1-26774791-G-A. GRCh37 (hg19) VCF-style: chr1-27101282-G-A.
Other names: c.4102-189G>A (NM_139135.4); short protein forms A1522T.
Identifiers: ClinVar variation 1204764 (VCV001204764.21), dbSNP rs199776442, ClinGen allele CA707482.
Genomic context (GRCh38, chr1:26,774,791, plus strand): 5'-AATGACATGACCTATAATTATGCCAACAGGCAGAGCACGGGCTCTGCCCCCCAGGGCCCC[G>A]CCTATCATGGCGTGAACCGAACAGATGAAATGCTGCACACAGATCAGAGGGCCAACCACG-3'
Protein context (NP_006006.3, residues 1512-1532): QSTGSAPQGP[Ala1522Thr]YHGVNRTDEM

ClinVar aggregate classification (germline): Conflicting classifications of pathogenicity. Review status: criteria provided, conflicting classifications (1 of 4 stars). 4 submissions from 4 submitters: Uncertain significance (1); Likely benign (3). Last evaluated 2026-01-05.

Conditions:
Intellectual disability, autosomal dominant 14 (CSS2). Also called: COFFIN-SIRIS SYNDROME 2. Identifiers: Orphanet 1465, MedGen C3553247, MONDO:0013819, OMIM 614607.

Allele frequency attached by ClinVar (database versions not stated): gnomAD exomes 0.00001 and 0.00003; ExAC 0.00003; gnomAD 0.00003; TOPMed 0.00003.
gnomAD v4.1: 27 of 1,614,026 alleles (0.0017%); highest among the groups gnomAD compares: Middle Eastern, 0.016%; no homozygotes.

Submissions (4):

Labcorp Genetics (formerly Invitae), Labcorp
Classification: Likely benign. Last evaluated: 2026-01-05. Review status: criteria provided, single submitter. Criteria: Invitae Variant Classification Sherloc (09022015). Collection method: clinical testing. Allele origin: germline.

CeGaT Center for Human Genetics Tuebingen
Classification: Likely benign. Last evaluated: 2024-11-01. Review status: criteria provided, single submitter. Criteria: CeGaT Center For Human Genetics Tuebingen Variant Classification Criteria Version 2. Collection method: clinical testing. Allele origin: germline. Affected: yes. Observed: 1 variant allele.
Comment: ARID1A: BP4, BS2

New York Genome Center
Classification: Uncertain significance for Intellectual disability, autosomal dominant 14. Last evaluated: 2020-05-07. Review status: criteria provided, single submitter. Criteria: NYGC Assertion Criteria 2020. Collection method: clinical testing. Allele origin: inherited. Observed: 1 heterozygote. Study: CSER-NYCKidSeq.

GeneDx
Classification: Likely benign. Last evaluated: 2020-03-10. Review status: criteria provided, single submitter. Criteria: GeneDx Variant Classification Process June 2021. Collection method: clinical testing. Allele origin: germline. Affected: yes.